The following is an entry in ClinVar:

ClinVar aggregate classification (germline): Uncertain significance. Review status: criteria provided, multiple submitters, no conflicts (2 of 4 stars). 2 submissions from 2 submitters: Uncertain significance (2). Last evaluated 2025-06-12.

Conditions:
Neuropathy, hereditary sensory and autonomic, type 2A (HSAN2A). Also called: WNK1-Related HSAN2 (HSAN2A); ACROOSTEOLYSIS, GIACCAI TYPE; ACROOSTEOLYSIS, NEUROGENIC; MORVAN DISEASE; NEUROPATHY, CONGENITAL SENSORY; NEUROPATHY, HEREDITARY SENSORY RADICULAR, AUTOSOMAL RECESSIVE. Identifiers: Orphanet 970, MedGen C2752089, MONDO:0024309, OMIM 201300.
Pseudohypoaldosteronism type 2C (PHA2C). Also called: Pseudohypoaldosteronism Type IIC. Identifiers: Orphanet 757, Orphanet 88940, MedGen C1840391, MONDO:0013778, OMIM 614492.

Allele frequency attached by ClinVar (database versions not stated): gnomAD exomes below 0.00001; TOPMed below 0.00001.
gnomAD v4.1: 2 of 1,613,984 alleles (0.00012%); highest among the groups gnomAD compares: South Asian, 0.0011%; no homozygotes.

Submissions (2):

Labcorp Genetics (formerly Invitae), Labcorp
Classification: Uncertain significance for Neuropathy, hereditary sensory and autonomic, type 2A; Pseudohypoaldosteronism type 2C. Last evaluated: 2025-06-12. Review status: criteria provided, single submitter. Criteria: Invitae Variant Classification Sherloc (09022015). Collection method: clinical testing. Allele origin: germline.
Comment: This sequence change replaces arginine, which is basic and polar, with cysteine, which is neutral and slightly polar, at codon 825 of the WNK1 protein (p.Arg825Cys). This variant is not present in population databases (gnomAD no frequency). This variant has not been reported in the literature in individuals affected with WNK1-related conditions. ClinVar contains an entry for this variant (Variation ID: 424147). Experimental studies and prediction algorithms are not available or were not evaluated, and the functional significance of this variant is currently unknown. In summary, the available evidence is currently insufficient to determine the role of this variant in disease. Therefore, it has been classified as a Variant of Uncertain Significance.

GeneDx
Classification: Uncertain significance. Last evaluated: 2017-03-08. Review status: criteria provided, single submitter. Criteria: GeneDx Variant Classification (06012015). Collection method: clinical testing. Allele origin: germline. Affected: yes.
Comment: A variant of uncertain significance has been identified in the WNK1 gene. The R825C variant has not been published as a pathogenic variant, nor has it been reported as a benign variant to our knowledge. The R825C variant is not observed in large population cohorts (Lek et al., 2016; 1000 Genomes Consortium et al., 2015; Exome Variant Server). The R825C variant is a non-conservative amino acid substitution, which is likely to impact secondary protein structure as these residues differ in polarity, charge, size and/or other properties. This substitution occurs at a position that is conserved across species and in silico analysis predicts this variant is probably damaging to the protein structure/function. However, missense variants in nearby residues have not been reported in Human Gene Mutation Database in association with WNK1-related disorders (Stenson et al., 2014). Therefore, based on the currently available information, it is unclear whether this variant is a pathogenic variant or a rare benign variant.

NM_213655.5(WNK1):c.2473C>T (p.Arg825Cys)

Gene: WNK1 (WNK lysine deficient protein kinase 1; plus strand). Cytogenetic location: 12p13.33.
Variant type: single nucleotide variant.
Coding change: c.2473C>T on transcript NM_213655.5 (MANE Plus Clinical); coding-DNA position 2473, C replaced by T.
Protein change: p.Arg825Cys; replaces arginine 825 with cysteine.
Molecular consequence: missense variant. On other transcripts: intron variant (2).
Genome position (GRCh38, 1-based): chr12:867,944, C>T. VCF-style: chr12-867944-C-T. GRCh37 (hg19) VCF-style: chr12-977110-C-T.
Other names: c.2218C>T, p.Arg740Cys (NM_001184985.2); c.2140-3321C>T (NM_018979.4, NM_014823.3); short protein forms R825C, R740C.
Identifiers: ClinVar variation 424147 (VCV000424147.9), dbSNP rs1013040631, ClinGen allele CA16619594.